The following is an entry in ClinVar:

NM_020821.3(VPS13C):c.8552T>G (p.Val2851Gly)

Gene: VPS13C (vacuolar protein sorting 13 homolog C; minus strand). Cytogenetic location: 15q22.2.
Variant type: single nucleotide variant.
Coding change: c.8552T>G on transcript NM_020821.3 (MANE Select); coding-DNA position 8552, T replaced by G.
Protein change: p.Val2851Gly; replaces valine 2851 with glycine.
Molecular consequence: missense variant.
Genome position (GRCh38, 1-based): chr15:61,912,003, A>C on the plus strand (T>G on the coding strand, the complement: VPS13C is on the minus strand). VCF-style: chr15-61912003-A-C. GRCh37 (hg19) VCF-style: chr15-62204202-A-C.
Other names: c.8552T>G, p.Val2851Gly (NM_001018088.3); c.8423T>G, p.Val2808Gly (NM_017684.5, NM_018080.4); short protein forms V2851G, V2808G.
Identifiers: ClinVar variation 2091188 (VCV002091188.4), dbSNP rs2547865422, ClinGen allele CA392676643.

ClinVar aggregate classification (germline): Uncertain significance (1 of 4 stars; one submission).

Submission:

Labcorp Genetics (formerly Invitae), Labcorp
Classification: Uncertain significance. Last evaluated: 2022-04-18. Review status: criteria provided, single submitter. Criteria: Invitae Variant Classification Sherloc (09022015). Collection method: clinical testing. Allele origin: germline.
Comment: In summary, the available evidence is currently insufficient to determine the role of this variant in disease. Therefore, it has been classified as a Variant of Uncertain Significance. Algorithms developed to predict the effect of missense changes on protein structure and function (SIFT, PolyPhen-2, Align-GVGD) all suggest that this variant is likely to be disruptive. This variant has not been reported in the literature in individuals affected with VPS13C-related conditions. This variant is not present in population databases (gnomAD no frequency). This sequence change replaces valine, which is neutral and non-polar, with glycine, which is neutral and non-polar, at codon 2851 of the VPS13C protein (p.Val2851Gly).